The following is an entry in ClinVar:

NM_032861.4(SERAC1):c.1502-24dup

Gene: SERAC1 (serine active site containing 1; minus strand). Cytogenetic location: 6q25.3.
Variant type: Duplication.
Coding change: c.1502-24dup on transcript NM_032861.4 (MANE Select); 24 bases into the intron before coding-DNA position 1502, one base duplicated (T; older notation c.1502-24dupT).
Molecular consequence: intron variant.
Genome position (GRCh38, 1-based): chr6:158,114,989, A duplicated on the plus strand (T on the coding strand, the reverse complement: SERAC1 is on the minus strand); the first of 7 consecutive A bases (chr6:158,114,989-158,114,995); duplicating any one gives the same sequence. VCF-style (leftmost placement, unchanged base first): chr6-158114988-G-GA. GRCh37 (hg19) VCF-style: chr6-158536020-G-GA.
Other names: c.1502-18dupT (NM_032861.3).
Identifiers: ClinVar variation 508979 (VCV000508979.11), dbSNP rs780420200, ClinGen allele CA4071036.

ClinVar aggregate classification (germline): Benign/Likely benign. Review status: criteria provided, multiple submitters, no conflicts (2 of 4 stars). 4 submissions from 4 submitters: Benign (1); Likely benign (3). Last evaluated 2025-09-15.

Conditions:
3-methylglutaconic aciduria with deafness, encephalopathy, and Leigh-like syndrome (MEGDEL). Also called: 3-METHYLGLUTACONIC ACIDURIA, TYPE VI; SERAC1 Deficiency; MEGDEL syndrome. Identifiers: Orphanet 352328, MedGen C4040739, MONDO:0013875, OMIM 614739.

Submissions (4):

Labcorp Genetics (formerly Invitae), Labcorp
Classification: Benign for 3-methylglutaconic aciduria with deafness, encephalopathy, and Leigh-like syndrome. Last evaluated: 2025-09-15. Review status: criteria provided, single submitter. Criteria: Invitae Variant Classification Sherloc (09022015). Collection method: clinical testing. Allele origin: germline.

Blueprint Genetics
Classification: Likely benign. Last evaluated: 2023-08-16. Review status: criteria provided, single submitter. Criteria: ACMG Guidelines, 2015. Collection method: clinical testing. Allele origin: germline.

Genome-Nilou Lab
Classification: Likely benign for 3-methylglutaconic aciduria with deafness, encephalopathy, and Leigh-like syndrome. Last evaluated: 2022-03-15. Review status: criteria provided, single submitter. Criteria: ACMG Guidelines, 2015. Collection method: clinical testing. Allele origin: germline. Affected: no.

GeneDx
Classification: Likely benign. Last evaluated: 2017-04-18. Review status: criteria provided, single submitter. Criteria: GeneDx Variant Classification (06012015). Collection method: clinical testing. Allele origin: germline. Affected: yes.
Comment: This variant is considered likely benign or benign based on one or more of the following criteria: it is a conservative change, it occurs at a poorly conserved position in the protein, it is predicted to be benign by multiple in silico algorithms, and/or has population frequency not consistent with disease.